The following is an entry in ClinVar:

ClinVar aggregate classification (germline): Uncertain significance (1 of 4 stars; one submission).

Conditions:
Bardet-Biedl syndrome (BBS). Identifiers: Orphanet 110, MedGen C0752166, MONDO:0015229.

gnomAD v4.1: 1 of 1,614,102 alleles (0.000062%); highest among the groups gnomAD compares: Non-Finnish European, 0.000085%; no homozygotes.

Submission:

Labcorp Genetics (formerly Invitae), Labcorp
Classification: Uncertain significance for Bardet-Biedl syndrome. Last evaluated: 2021-01-30. Review status: criteria provided, single submitter. Criteria: Invitae Variant Classification Sherloc (09022015). Collection method: clinical testing. Allele origin: germline.
Comment: In summary, the available evidence is currently insufficient to determine the role of this variant in disease. Therefore, it has been classified as a Variant of Uncertain Significance. Algorithms developed to predict the effect of missense changes on protein structure and function output the following: SIFT: "Tolerated"; PolyPhen-2: "Benign"; Align-GVGD: "Class C0". The aspartic acid amino acid residue is found in multiple mammalian species, suggesting that this missense change does not adversely affect protein function. These predictions have not been confirmed by published functional studies and their clinical significance is uncertain. This variant has not been reported in the literature in individuals with BBS12-related conditions. This variant is not present in population databases (ExAC no frequency). This sequence change replaces glutamic acid with aspartic acid at codon 532 of the BBS12 protein (p.Glu532Asp). The glutamic acid residue is highly conserved and there is a small physicochemical difference between glutamic acid and aspartic acid.

NM_152618.3(BBS12):c.1596G>C (p.Glu532Asp)

Gene: BBS12 (Bardet-Biedl syndrome 12; plus strand). Cytogenetic location: 4q27.
Variant type: single nucleotide variant.
Coding change: c.1596G>C on transcript NM_152618.3 (MANE Select); coding-DNA position 1596, G replaced by C.
Protein change: p.Glu532Asp; replaces glutamic acid 532 with aspartic acid.
Molecular consequence: missense variant.
Genome position (GRCh38, 1-based): chr4:122,743,488, G>C. VCF-style: chr4-122743488-G-C. GRCh37 (hg19) VCF-style: chr4-123664643-G-C.
Other names: c.1596G>C, p.Glu532Asp (NM_001178007.2); short protein forms E532D.
Identifiers: ClinVar variation 1434994 (VCV001434994.8), dbSNP rs1477880509, ClinGen allele CA358225464.
Genomic context (GRCh38, chr4:122,743,488, plus strand): 5'-GCAAATCAAAGAAGATAGGTTCTGGACATGTGCCTATCGTTTGTATTATGCTCTAAAAGA[G>C]GAAAAGGTCTTCCTTGGAGGTGGTGCAGTTGAATTTTTGTGTCTTAGCTGTCTTCATATT-3'
Protein context (NP_689831.2, residues 522-542): CAYRLYYALK[Glu532Asp]EKVFLGGGAV